The following is an entry in ClinVar:

ClinVar aggregate classification (germline): Uncertain significance (1 of 4 stars; one submission).

Conditions:
Neu-Laxova syndrome 2. Identifiers: Orphanet 2671, Orphanet 583602, MedGen C4015019, MONDO:0014466, OMIM 616038.

Allele frequency attached by ClinVar (database versions not stated): gnomAD exomes below 0.00001; TOPMed 0.00002; gnomAD 0.00003.
gnomAD v4.1: 6 of 1,614,106 alleles (0.00037%); highest among the groups gnomAD compares: Admixed American, 0.01%; no homozygotes.

Submission:

Labcorp Genetics (formerly Invitae), Labcorp
Classification: Uncertain significance for Neu-Laxova syndrome 2. Last evaluated: 2022-11-15. Review status: criteria provided, single submitter. Criteria: Invitae Variant Classification Sherloc (09022015). Collection method: clinical testing. Allele origin: germline.
Comment: This variant is present in population databases (no rsID available, gnomAD 0.006%). This sequence change falls in intron 5 of the PSAT1 gene. It does not directly change the encoded amino acid sequence of the PSAT1 protein. It affects a nucleotide within the consensus splice site. In summary, the available evidence is currently insufficient to determine the role of this variant in disease. Therefore, it has been classified as a Variant of Uncertain Significance. Variants that disrupt the consensus splice site are a relatively common cause of aberrant splicing (PMID: 17576681, 9536098). Algorithms developed to predict the effect of sequence changes on RNA splicing suggest that this variant is not likely to affect RNA splicing. This variant has not been reported in the literature in individuals affected with PSAT1-related conditions.

Literature cited by the submitters: PubMed 17576681; PubMed 9536098.

NM_058179.4(PSAT1):c.570+4G>A

Gene: PSAT1 (phosphoserine aminotransferase 1; plus strand). Cytogenetic location: 9q21.2.
Variant type: single nucleotide variant.
Coding change: c.570+4G>A on transcript NM_058179.4 (MANE Select); 4 bases into the intron after coding-DNA position 570, G replaced by A.
Molecular consequence: intron variant.
Genome position (GRCh38, 1-based): chr9:78,306,490, G>A. VCF-style: chr9-78306490-G-A. GRCh37 (hg19) VCF-style: chr9-80921406-G-A.
Other names: c.570+4G>A (NM_021154.5).
Identifiers: ClinVar variation 2169156 (VCV002169156.2), dbSNP rs928415438, ClinGen allele CA194442623.
Genomic context (GRCh38, chr9:78,306,490, plus strand): 5'-GTACTGGTTTGTGACATGTCCTCAAACTTCCTGTCCAAGCCAGTGGATGTTTCCAAGGTA[G>A]AGTATAAAAGGCAGGGTGAGGGGAACCCACTGACTCGGTGTCTGCAGGGACATTTTAATA-3'